The following is an entry in ClinVar:

ClinVar aggregate classification (germline): Uncertain significance. Review status: criteria provided, multiple submitters, no conflicts (2 of 4 stars). 2 submissions from 2 submitters: Uncertain significance (2). Last evaluated 2022-03-18.

Conditions:
Inborn genetic diseases. Identifiers: MedGen C0950123, MeSH D030342.

Allele frequency attached by ClinVar (database versions not stated): gnomAD exomes 0.00001; gnomAD 0.00003 and 0.00004; TOPMed 0.00004; ESP Exome Variant Server 0.00008.
gnomAD v4.1: 51 of 1,611,630 alleles (0.0032%); highest among the groups gnomAD compares: Non-Finnish European, 0.0042%; no homozygotes.

Submissions (2):

Labcorp Genetics (formerly Invitae), Labcorp
Classification: Uncertain significance. Last evaluated: 2022-03-18. Review status: criteria provided, single submitter. Criteria: Invitae Variant Classification Sherloc (09022015). Collection method: clinical testing. Allele origin: germline.
Comment: This sequence change replaces aspartic acid, which is acidic and polar, with asparagine, which is neutral and polar, at codon 1539 of the MCM3AP protein (p.Asp1539Asn). This variant is present in population databases (rs141657571, gnomAD 0.004%). This variant has not been reported in the literature in individuals affected with MCM3AP-related conditions. Algorithms developed to predict the effect of missense changes on protein structure and function (SIFT, PolyPhen-2, Align-GVGD) all suggest that this variant is likely to be tolerated. In summary, the available evidence is currently insufficient to determine the role of this variant in disease. Therefore, it has been classified as a Variant of Uncertain Significance.

Ambry Genetics
Classification: Uncertain significance for Inborn genetic diseases. Last evaluated: 2021-09-16. Review status: criteria provided, single submitter. Criteria: Ambry Variant Classification Scheme 2023. Collection method: clinical testing. Allele origin: germline.

NM_003906.5(MCM3AP):c.4615G>A (p.Asp1539Asn)

Genes: MCM3AP (minichromosome maintenance complex component 3 associated protein; minus strand), MCM3AP-AS1 (MCM3AP antisense RNA 1; plus strand). Cytogenetic location: 21q22.3.
Variant type: single nucleotide variant.
Coding change: c.4615G>A on transcript NM_003906.5 (MANE Select); coding-DNA position 4615, G replaced by A.
Protein change: p.Asp1539Asn; replaces aspartic acid 1539 with asparagine.
Molecular consequence: missense variant.
Genome position (GRCh38, 1-based): chr21:46,246,339, C>T on the plus strand (G>A on the coding strand, the complement: MCM3AP is on the minus strand). VCF-style: chr21-46246339-C-T. GRCh37 (hg19) VCF-style: chr21-47666253-C-T.
Other names: c.4615G>A (NM_003906.3); short protein forms D1539N.
Identifiers: ClinVar variation 1479036 (VCV001479036.4), dbSNP rs141657571, ClinGen allele CA10076070.